The following is an entry in ClinVar:

ClinVar aggregate classification (germline): Uncertain significance (1 of 4 stars; one submission).

gnomAD v4.1: 3 of 1,609,674 alleles (0.00019%); highest among the groups gnomAD compares: Non-Finnish European, 0.00025%; no homozygotes.

Submission:

GeneDx
Classification: Uncertain significance. Last evaluated: 2023-11-27. Review status: criteria provided, single submitter. Criteria: GeneDx Variant Classification Process June 2021. Collection method: clinical testing. Allele origin: germline. Affected: yes.
Comment: Not observed at significant frequency in large population cohorts (gnomAD); In silico analysis supports that this variant does not alter splicing; Has not been previously published as pathogenic or benign to our knowledge

NM_007035.4(KERA):c.66T>C (p.Ser22=)

Gene: KERA (keratocan; minus strand). Cytogenetic location: 12q21.33.
Variant type: single nucleotide variant.
Coding change: c.66T>C on transcript NM_007035.4 (MANE Select); coding-DNA position 66, T replaced by C.
Protein change: p.Ser22=; no amino-acid change (serine 22 retained).
Molecular consequence: synonymous variant.
Genome position (GRCh38, 1-based): chr12:91,056,216, A>G on the plus strand (T>C on the coding strand, the complement: KERA is on the minus strand). VCF-style: chr12-91056216-A-G. GRCh37 (hg19) VCF-style: chr12-91449993-A-G.
Identifiers: ClinVar variation 3364635 (VCV003364635.1).
Genomic context (GRCh38, chr12:91,056,216, plus strand): 5'-ACACTCGAAGTCATGAATAGTCCAATCATCTGAATCATGTACTTCATAGACCTGCCTCAC[A>G]CTTCTAGACCACACAGTGTCTGTTATGAATAACACCCACATGATGAAACAGATTGTGCCT-3'
Protein context (NP_008966.1, residues 12-32): LFITDTVWSR[Ser22=]VRQVYEVHDS